The following is an entry in ClinVar:

NM_001382.4(DPAGT1):c.714G>A (p.Leu238=)

Gene: DPAGT1 (dolichyl-phosphate N-acetylglucosaminephosphotransferase 1; minus strand). Cytogenetic location: 11q23.3.
Variant type: single nucleotide variant.
Coding change: c.714G>A on transcript NM_001382.4 (MANE Select); coding-DNA position 714, G replaced by A.
Protein change: p.Leu238=; no amino-acid change (leucine 238 retained).
Molecular consequence: synonymous variant.
Genome position (GRCh38, 1-based): chr11:119,098,417, C>T on the plus strand (G>A on the coding strand, the complement: DPAGT1 is on the minus strand). VCF-style: chr11-119098417-C-T. GRCh37 (hg19) VCF-style: chr11-118969127-C-T.
Other names: c.714G>A (NM_001382.3).
Identifiers: ClinVar variation 1535563 (VCV001535563.10), dbSNP rs1371529040, ClinGen allele CA477137136.

ClinVar aggregate classification (germline): Likely benign. Review status: criteria provided, single submitter (1 of 4 stars). 2 submissions from 2 submitters: Likely benign (1). 1 of the submissions does not count toward it. Last evaluated 2021-08-06.

Conditions:
DPAGT1-congenital disorder of glycosylation. Also called: CONGENITAL DISORDER OF GLYCOSYLATION, TYPE Ij; DPAGT1-CDG; CDG Ij. Identifiers: Orphanet 86309, MedGen C2931004, MONDO:0011964, OMIM 608093.
Congenital myasthenic syndrome 13 (CMS13). Also called: Myasthenic syndrome, congenital, 13, with tubular aggregates; Myasthenic syndrome, congenital, with tubular aggregates 2. Identifiers: Orphanet 353327, Orphanet 590, MedGen C3553645, MONDO:0013883, OMIM 614750.
DPAGT1-related disorder. Also called: DPAGT1-related condition.

Allele frequency attached by ClinVar (database versions not stated): gnomAD exomes below 0.00001 and 0.00001; gnomAD 0.00001.
gnomAD v4.1: 8 of 1,613,744 alleles (0.0005%); highest among the groups gnomAD compares: South Asian, 0.0033%; no homozygotes.

Submissions (2):

Labcorp Genetics (formerly Invitae), Labcorp
Classification: Likely benign for Congenital myasthenic syndrome 13; DPAGT1-congenital disorder of glycosylation. Last evaluated: 2021-08-06. Review status: criteria provided, single submitter. Criteria: Invitae Variant Classification Sherloc (09022015). Collection method: clinical testing. Allele origin: germline.

PreventionGenetics, part of Exact Sciences
Classification: Likely benign for DPAGT1-related condition. Last evaluated: 2023-10-02. Review status: no assertion criteria provided. Collection method: clinical testing. Allele origin: germline. Not counted in ClinVar's aggregate classification.
Comment: This variant is classified as likely benign based on ACMG/AMP sequence variant interpretation guidelines (Richards et al. 2015 PMID: 25741868, with internal and published modifications).